The following is an entry in ClinVar:

ClinVar aggregate classification (germline): Uncertain significance (1 of 4 stars; one submission).

Conditions:
Hereditary cancer-predisposing syndrome. Also called: Neoplastic Syndromes, Hereditary; Tumor predisposition; Hereditary neoplastic syndrome; Hereditary Cancer Syndrome. Identifiers: Orphanet 140162, MedGen C0027672, MeSH D009386, MONDO:0015356.

Submission:

Ambry Genetics
Classification: Uncertain significance for Hereditary cancer-predisposing syndrome. Last evaluated: 2024-06-15. Review status: criteria provided, single submitter. Criteria: Ambry Variant Classification Scheme 2023. Collection method: clinical testing. Allele origin: germline.
Comment: The p.A47G variant (also known as c.140C>G), located in coding exon 1 of the TMEM127 gene, results from a C to G substitution at nucleotide position 140. The alanine at codon 47 is replaced by glycine, an amino acid with similar properties. This amino acid position is conserved. In addition, the in silico prediction for this alteration is inconclusive. Based on the available evidence, the clinical significance of this variant remains unclear.

NM_017849.4(TMEM127):c.140C>G (p.Ala47Gly)

Gene: TMEM127 (transmembrane protein 127; minus strand). Cytogenetic location: 2q11.2.
Variant type: single nucleotide variant.
Coding change: c.140C>G on transcript NM_017849.4 (MANE Select); coding-DNA position 140, C replaced by G.
Protein change: p.Ala47Gly; replaces alanine 47 with glycine.
Molecular consequence: missense variant. On other transcripts: intron variant (1).
Genome position (GRCh38, 1-based): chr2:96,265,242, G>C on the plus strand (C>G on the coding strand, the complement: TMEM127 is on the minus strand). VCF-style: chr2-96265242-G-C. GRCh37 (hg19) VCF-style: chr2-96930980-G-C.
Other names: c.140C>G, p.Ala47Gly (NM_001193304.3); c.-9+627C>G (NM_001407283.1); short protein forms A47G.
Identifiers: ClinVar variation 3326714 (VCV003326714.1).